The following is an entry in ClinVar:

NM_001942.4(DSG1):c.680G>A (p.Arg227Lys)

Gene: DSG1 (desmoglein 1; plus strand). Cytogenetic location: 18q12.1.
Variant type: single nucleotide variant.
Coding change: c.680G>A on transcript NM_001942.4 (MANE Select); coding-DNA position 680, G replaced by A.
Protein change: p.Arg227Lys; replaces arginine 227 with lysine.
Molecular consequence: missense variant.
Genome position (GRCh38, 1-based): chr18:31,331,863, G>A. VCF-style: chr18-31331863-G-A. GRCh37 (hg19) VCF-style: chr18-28911826-G-A.
Other names: short protein forms R227K.
Identifiers: ClinVar variation 1475850 (VCV001475850.8), dbSNP rs2144093599, ClinGen allele CA402129604.

ClinVar aggregate classification (germline): Uncertain significance (1 of 4 stars; one submission).

Submission:

Labcorp Genetics (formerly Invitae), Labcorp
Classification: Uncertain significance. Last evaluated: 2022-07-06. Review status: criteria provided, single submitter. Criteria: Invitae Variant Classification Sherloc (09022015). Collection method: clinical testing. Allele origin: germline.
Comment: ClinVar contains an entry for this variant (Variation ID: 1475850). In summary, the available evidence is currently insufficient to determine the role of this variant in disease. Therefore, it has been classified as a Variant of Uncertain Significance. Algorithms developed to predict the effect of missense changes on protein structure and function are either unavailable or do not agree on the potential impact of this missense change (SIFT: "Deleterious"; PolyPhen-2: "Probably Damaging"; Align-GVGD: "Class C0"). This variant has not been reported in the literature in individuals affected with DSG1-related conditions. This variant is not present in population databases (gnomAD no frequency). This sequence change replaces arginine, which is basic and polar, with lysine, which is basic and polar, at codon 227 of the DSG1 protein (p.Arg227Lys).